The following is an entry in ClinVar:

ClinVar aggregate classification (germline): Uncertain significance (1 of 4 stars; one submission).

Submission:

GeneDx
Classification: Uncertain significance. Last evaluated: 2023-12-07. Review status: criteria provided, single submitter. Criteria: GeneDx Variant Classification Process June 2021. Collection method: clinical testing. Allele origin: germline. Affected: yes.
Comment: Not observed at significant frequency in large population cohorts (gnomAD); In silico analysis supports that this missense variant has a deleterious effect on protein structure/function; Has not been previously published as pathogenic or benign to our knowledge

NM_001205293.3(CACNA1E):c.6713A>T (p.Asp2238Val)

Gene: CACNA1E (calcium voltage-gated channel subunit alpha1 E; plus strand). Cytogenetic location: 1q25.3.
Variant type: single nucleotide variant.
Coding change: c.6713A>T on transcript NM_001205293.3 (MANE Select); coding-DNA position 6713, A replaced by T.
Protein change: p.Asp2238Val; replaces aspartic acid 2238 with valine.
Molecular consequence: missense variant.
Genome position (GRCh38, 1-based): chr1:181,798,605, A>T. VCF-style: chr1-181798605-A-T. GRCh37 (hg19) VCF-style: chr1-181767741-A-T.
Other names: c.6584A>T, p.Asp2195Val (NM_000721.4); c.6527A>T, p.Asp2176Val (NM_001205294.2); short protein forms D2176V, D2195V, D2238V.
Identifiers: ClinVar variation 3252428 (VCV003252428.1), dbSNP rs2525533585.